The following is an entry in ClinVar:

NM_001130144.3(LTBP3):c.1993G>A (p.Ala665Thr)

Gene: LTBP3 (latent transforming growth factor beta binding protein 3; minus strand). Cytogenetic location: 11q13.1.
Variant type: single nucleotide variant.
Coding change: c.1993G>A on transcript NM_001130144.3 (MANE Select); coding-DNA position 1993, G replaced by A.
Protein change: p.Ala665Thr; replaces alanine 665 with threonine.
Molecular consequence: missense variant.
Genome position (GRCh38, 1-based): chr11:65,547,553, C>T on the plus strand (G>A on the coding strand, the complement: LTBP3 is on the minus strand). VCF-style: chr11-65547553-C-T. GRCh37 (hg19) VCF-style: chr11-65315024-C-T.
Other names: c.1642G>A, p.Ala548Thr (NM_001164266.1); c.1993G>A, p.Ala665Thr (NM_021070.4); short protein forms A548T, A665T.
Identifiers: ClinVar variation 3616569 (VCV003616569.2).

ClinVar aggregate classification (germline): Uncertain significance (1 of 4 stars; one submission).

Conditions:
Brachyolmia-amelogenesis imperfecta syndrome. Also called: PLATYSPONDYLY WITH AMELOGENESIS IMPERFECTA; Tooth agenesis, selective, 6; Dental anomalies and short stature. Identifiers: Orphanet 2899, MedGen C1832594, MONDO:0011018, OMIM 601216. Disease mechanism: loss of function.

gnomAD v4.1: 15 of 1,613,748 alleles (0.00093%); highest among the groups gnomAD compares: Non-Finnish European, 0.0012%; no homozygotes.

Submission:

Labcorp Genetics (formerly Invitae), Labcorp
Classification: Uncertain significance for Brachyolmia-amelogenesis imperfecta syndrome. Last evaluated: 2025-03-16. Review status: criteria provided, single submitter. Criteria: Invitae Variant Classification Sherloc (09022015). Collection method: clinical testing. Allele origin: germline.
Comment: This sequence change replaces alanine, which is neutral and non-polar, with threonine, which is neutral and polar, at codon 665 of the LTBP3 protein (p.Ala665Thr). This variant is present in population databases (no rsID available, gnomAD 0.007%). This variant has not been reported in the literature in individuals affected with LTBP3-related conditions. An algorithm developed to predict the effect of missense changes on protein structure and function outputs the following: PolyPhen-2: "Benign". The threonine amino acid residue is found in multiple mammalian species, which suggests that this missense change does not adversely affect protein function. In summary, the available evidence is currently insufficient to determine the role of this variant in disease. Therefore, it has been classified as a Variant of Uncertain Significance.